The following is an entry in ClinVar:

NM_004656.4(BAP1):c.1951A>C (p.Lys651Gln)

Gene: BAP1 (BRCA1 associated deubiquitinase 1; minus strand). Cytogenetic location: 3p21.1.
Variant type: single nucleotide variant.
Coding change: c.1951A>C on transcript NM_004656.4 (MANE Select); coding-DNA position 1951, A replaced by C.
Protein change: p.Lys651Gln; replaces lysine 651 with glutamine.
Molecular consequence: missense variant.
Genome position (GRCh38, 1-based): chr3:52,402,811, T>G on the plus strand (A>C on the coding strand, the complement: BAP1 is on the minus strand). VCF-style: chr3-52402811-T-G. GRCh37 (hg19) VCF-style: chr3-52436827-T-G.
Other names: c.1897A>C, p.Lys633Gln (NM_001410772.1); short protein forms K633Q, K651Q.
Identifiers: ClinVar variation 2499342 (VCV002499342.2), dbSNP rs2471322175, ClinGen allele CA353096625.

ClinVar aggregate classification (germline): Uncertain significance (1 of 4 stars; one submission).

Allele frequency attached by ClinVar (database versions not stated): gnomAD exomes below 0.00001.

Submission:

GeneDx
Classification: Uncertain significance. Last evaluated: 2024-06-21. Review status: criteria provided, single submitter. Criteria: GeneDx Variant Classification Process June 2021. Collection method: clinical testing. Allele origin: germline.
Comment: Not observed at significant frequency in large population cohorts (gnomAD); In silico analysis indicates that this missense variant does not alter protein structure/function; Has not been previously published as pathogenic or benign to our knowledge